The following is an entry in ClinVar:

NM_004104.5(FASN):c.5002G>A (p.Gly1668Arg)

Gene: FASN (fatty acid synthase; minus strand). Cytogenetic location: 17q25.3.
Variant type: single nucleotide variant.
Coding change: c.5002G>A on transcript NM_004104.5 (MANE Select); coding-DNA position 5002, G replaced by A.
Protein change: p.Gly1668Arg; replaces glycine 1668 with arginine.
Molecular consequence: missense variant.
Genome position (GRCh38, 1-based): chr17:82,084,071, C>T on the plus strand (G>A on the coding strand, the complement: FASN is on the minus strand). VCF-style: chr17-82084071-C-T. GRCh37 (hg19) VCF-style: chr17-80041947-C-T.
Other names: short protein forms G1668R.
Identifiers: ClinVar variation 4667061 (VCV004667061.2).
Genomic context (GRCh38, chr17:82,084,071, plus strand): 5'-CGATGGCGATGGCGGCCTGGCCCACGCCGCCCGAGCCCGAGTGGATGAGCAGCGTCTCCC[C>T]GGGGCGCACCCGCCCACGCACCACCAGCGCGTAGTAGGCCGTGCTGTAGACGACAGGCAC-3'
Protein context (NP_004095.4, residues 1658-1678): ALVVRGRVRP[Gly1668Arg]ETLLIHSGSG

ClinVar aggregate classification (germline): Uncertain significance. Review status: criteria provided, multiple submitters, no conflicts (2 of 4 stars). 2 submissions from 2 submitters: Uncertain significance (2). Last evaluated 2025-10-30.

Conditions:
Epileptic encephalopathy. Identifiers: MedGen C0543888, HP:0200134.

gnomAD v4.1: 17 of 1,552,302 alleles (0.0011%); highest among the groups gnomAD compares: South Asian, 0.0036%; no homozygotes.

Submissions (2):

Ambry Genetics
Classification: Uncertain significance. Last evaluated: 2025-10-30. Review status: criteria provided, single submitter. Criteria: Ambry Variant Classification Scheme 2023. Collection method: clinical testing. Allele origin: germline.

Labcorp Genetics (formerly Invitae), Labcorp
Classification: Uncertain significance for Epileptic encephalopathy. Last evaluated: 2025-03-20. Review status: criteria provided, single submitter. Criteria: Invitae Variant Classification Sherloc (09022015). Collection method: clinical testing. Allele origin: germline.
Comment: This sequence change replaces glycine, which is neutral and non-polar, with arginine, which is basic and polar, at codon 1668 of the FASN protein (p.Gly1668Arg). The frequency data for this variant in the population databases is considered unreliable, as metrics indicate poor data quality at this position in the gnomAD database. This variant has not been reported in the literature in individuals affected with FASN-related conditions. An algorithm developed to predict the effect of missense changes on protein structure and function (PolyPhen-2) suggests that this variant is likely to be disruptive. In summary, the available evidence is currently insufficient to determine the role of this variant in disease. Therefore, it has been classified as a Variant of Uncertain Significance.